The following is an entry in ClinVar:

ClinVar aggregate classification (germline): Uncertain significance. Review status: criteria provided, multiple submitters, no conflicts (2 of 4 stars). 2 submissions from 2 submitters: Uncertain significance (2). Last evaluated 2025-07-28.

Conditions:
Early Myoclonic Encephalopathy. Identifiers: MedGen C0270855.

Allele frequency attached by ClinVar (database versions not stated): gnomAD 0.00001; TOPMed 0.00002.
gnomAD v4.1: 23 of 1,614,036 alleles (0.0014%); highest among the groups gnomAD compares: Admixed American, 0.017%; no homozygotes.

Submissions (2):

Labcorp Genetics (formerly Invitae), Labcorp
Classification: Uncertain significance for Early Myoclonic Encephalopathy. Last evaluated: 2025-07-28. Review status: criteria provided, single submitter. Criteria: Invitae Variant Classification Sherloc (09022015). Collection method: clinical testing. Allele origin: germline.
Comment: This sequence change replaces asparagine, which is neutral and polar, with aspartic acid, which is acidic and polar, at codon 1116 of the JMJD1C protein (p.Asn1116Asp). This variant is present in population databases (rs780738874, gnomAD 0.02%). This variant has not been reported in the literature in individuals affected with JMJD1C-related conditions. ClinVar contains an entry for this variant (Variation ID: 848004). Invitae Evidence Modeling of protein sequence and biophysical properties (such as structural, functional, and spatial information, amino acid conservation, physicochemical variation, residue mobility, and thermodynamic stability) indicates that this missense variant is not expected to disrupt JMJD1C protein function with a negative predictive value of 80%. In summary, the available evidence is currently insufficient to determine the role of this variant in disease. Therefore, it has been classified as a Variant of Uncertain Significance.

Ambry Genetics
Classification: Uncertain significance. Last evaluated: 2023-06-16. Review status: criteria provided, single submitter. Criteria: Ambry Variant Classification Scheme 2023. Collection method: clinical testing. Allele origin: germline.

NM_032776.3(JMJD1C):c.3346A>G (p.Asn1116Asp)

Gene: JMJD1C (jumonji domain containing 1C; minus strand). Cytogenetic location: 10q21.3.
Variant type: single nucleotide variant.
Coding change: c.3346A>G on transcript NM_032776.3 (MANE Select); coding-DNA position 3346, A replaced by G.
Protein change: p.Asn1116Asp; replaces asparagine 1116 with aspartic acid.
Molecular consequence: missense variant. On other transcripts: non-coding transcript variant (1).
Genome position (GRCh38, 1-based): chr10:63,208,323, T>C on the plus strand (A>G on the coding strand, the complement: JMJD1C is on the minus strand). VCF-style: chr10-63208323-T-C. GRCh37 (hg19) VCF-style: chr10-64968083-T-C.
Other names: c.2800A>G, p.Asn934Asp (NM_001282948.2, NM_001318154.2); c.2482A>G, p.Asn828Asp (NM_001318153.2); c.3232A>G, p.Asn1078Asp (NM_001322252.2); c.2689A>G, p.Asn897Asp (NM_001322254.2, NM_001322258.2); c.3346A>G (NM_032776.1); short protein forms N1078D, N828D, N934D, N1116D, N897D.
Identifiers: ClinVar variation 848004 (VCV000848004.11), dbSNP rs780738874, ClinGen allele CA5518449.